The following is an entry in ClinVar:

NM_000297.4(PKD2):c.1081C>T (p.Arg361Ter)

Gene: PKD2 (polycystin 2, transient receptor potential cation channel; plus strand). Cytogenetic location: 4q22.1.
Variant type: single nucleotide variant.
Coding change: c.1081C>T on transcript NM_000297.4 (MANE Select); coding-DNA position 1081, C replaced by T.
Protein change: p.Arg361Ter; replaces arginine 361 with a stop codon.
Molecular consequence: nonsense. On other transcripts: non-coding transcript variant (1).
Genome position (GRCh38, 1-based): chr4:88,038,488, C>T. VCF-style: chr4-88038488-C-T. GRCh37 (hg19) VCF-style: chr4-88959640-C-T.
Other names: short protein forms R361*.
Identifiers: ClinVar variation 636770 (VCV000636770.82), dbSNP rs1578130676, ClinGen allele CA357633267.

ClinVar aggregate classification (germline): Pathogenic/Likely pathogenic. Review status: criteria provided, multiple submitters, no conflicts (2 of 4 stars). 16 submissions from 16 submitters: Pathogenic (14); Likely pathogenic (1). 1 of the submissions does not count toward it. Last evaluated 2026-09-01.

Conditions:
Inborn genetic diseases. Identifiers: MedGen C0950123, MeSH D030342.
PKD2-related disorder. Also called: PKD2-related condition.
Autosomal dominant polycystic kidney disease. Identifiers: Orphanet 730, MedGen C0085413, MONDO:0004691.
Polycystic kidney disease 2 (PKD2). Also called: POLYCYSTIC KIDNEY DISEASE, ADULT, TYPE II; POLYCYSTIC KIDNEY DISEASE 2 WITH OR WITHOUT POLYCYSTIC LIVER DISEASE; Polycystic Kidney Disease 2, Autosomal Dominant. Identifiers: MedGen C2751306, MONDO:0013131, OMIM 613095.
Polycystic kidney disease. Also called: Kidney, Polycystic; Polycystic kidney dysplasia. Identifiers: MedGen C0022680, MeSH D007690, MONDO:0020642, HP:0000113.

Allele frequency attached by ClinVar (database versions not stated): TOPMed below 0.00001; gnomAD 0.00001.
gnomAD v4.1: 1 of 1,613,774 alleles (0.000062%); highest among the groups gnomAD compares: African/African-American, 0.0013%; no homozygotes.

Submissions 1 to 12 of 16:

CeGaT Center for Human Genetics Tuebingen
Classification: Pathogenic. Last evaluated: 2026-09-01. Review status: criteria provided, single submitter. Criteria: CeGaT Center For Human Genetics Tuebingen Variant Classification Criteria Version 2. Collection method: clinical testing. Allele origin: germline. Affected: yes. Observed: 2 variant alleles.
Comment: PKD2: PVS1, PS4, PM2

Victorian Clinical Genetics Services, Murdoch Childrens Research Institute
Classification: Pathogenic for Polycystic kidney disease 2. Last evaluated: 2026-05-07. Review status: criteria provided, single submitter. Criteria: ACMG Guidelines, 2015. Collection method: clinical testing. Allele origin: germline. Affected: yes.
Comment: This variant is classified as Pathogenic. Evidence in support of pathogenic classification: Variant is predicted to cause nonsense-mediated decay (NMD) and loss of protein (premature termination codon is located at least 54 nucleotides upstream of the final exon-exon junction); Variant is present in gnomAD <0.001 for a dominant condition (v4: 1 heterozygote(s), 0 homozygote(s)); This variant has strong previous evidence of pathogenicity in unrelated individuals. This variant has been classified as pathogenic by multiple clinical laboratories in ClinVar; Other NMD predicted variants comparable to the one identified in this case have very strong previous evidence for pathogenicity (DECIPHER). Additional information: This variant is heterozygous; This gene is associated with autosomal dominant disease; Loss of function is a known mechanism of disease in this gene and is associated with polycystic kidney disease 2 (MIM#613095); Inheritance information for this variant is not currently available in this individual.

Genetic Services Laboratory, University of Chicago
Classification: Pathogenic. Last evaluated: 2025-11-04. Review status: criteria provided, single submitter. Criteria: ACMG Guidelines, 2015. Collection method: clinical testing. Allele origin: germline.
Comment: DNA sequence analysis of the PKD2 gene demonstrated a sequence change, c.1081C>T, which results in the creation of a premature stop codon at amino acid position 361, p.Arg361*. This pathogenic sequence change is predicted to result in an abnormal transcript, which may be degraded, or may lead to the production of a truncated PKD2 protein with potentially abnormal function. This sequence change has not been described in population databases such as ExAC and gnomAD. This pathogenic sequence change has previously been described in multiple individuals with autosomal dominant polycystic kidney disease (PMID: 34101167, 30816285, 33141305, 31740684, 27782177, 17100995, 22508176). Based on these collective evidences, this sequence change is classified as pathogenic.

PreventionGenetics, part of Exact Sciences
Classification: Pathogenic for PKD2-related condition. Last evaluated: 2025-04-19. Review status: criteria provided, single submitter. Criteria: ACMG Guidelines, 2015. Collection method: clinical testing. Allele origin: germline.
Comment: The PKD2 c.1081C>T variant is predicted to result in premature protein termination (p.Arg361*). This variant has been reported in individuals with autosomal dominant polycystic kidney disease (ADPKD) (see for example, Chung et al. 2006. PubMed ID: 17100995; Paavola et al. 2013. PubMed ID: 23376035; Moriyama et al. 2020. PubMed ID: 33141305). This variant has not been reported in a large population database (gnomAD), indicating this variant is rare. Nonsense variants in PKD2 are expected to be pathogenic. This variant is interpreted as pathogenic.

Ambry Genetics
Classification: Pathogenic for Inborn genetic diseases. Last evaluated: 2025-02-27. Review status: criteria provided, single submitter. Criteria: Ambry Variant Classification Scheme 2023. Collection method: clinical testing. Allele origin: germline.
Comment: The c.1081C>T (p.R361*) alteration, located in exon 4 (coding exon 4) of the PKD2 gene, consists of a C to T substitution at nucleotide position 1081. This changes the amino acid from an arginine (R) to a stop codon at amino acid position 361. This alteration is expected to result in loss of function by premature protein truncation or nonsense-mediated mRNA decay. This variant was not reported in population-based cohorts in the Genome Aggregation Database (gnomAD). This variant was reported in individual(s) with features consistent with PKD2-related polycystic kidney disease (Ozyavuz, 2024; Yan, 2022; Moriyama, 2021; Durkie, 2021; Xu, 2021; Paavola, 2013). Based on the available evidence, this alteration is classified as pathogenic.

Institute of Human Genetics Munich, TUM University Hospital
Classification: Pathogenic for Polycystic kidney disease 2. Last evaluated: 2025-01-21. Review status: criteria provided, single submitter. Criteria: Classification criteria August 2017. Collection method: clinical testing. Allele origin: germline. Inheritance: Autosomal dominant inheritance. Affected: yes. Observed: 1 variant allele.

Labcorp Genetics (formerly Invitae), Labcorp
Classification: Pathogenic for Autosomal dominant polycystic kidney disease. Last evaluated: 2024-11-27. Review status: criteria provided, single submitter. Criteria: Invitae Variant Classification Sherloc (09022015). Collection method: clinical testing. Allele origin: germline.
Comment: This sequence change creates a premature translational stop signal (p.Arg361*) in the PKD2 gene. It is expected to result in an absent or disrupted protein product. Loss-of-function variants in PKD2 are known to be pathogenic (PMID: 17582161, 22863349). This variant is not present in population databases (gnomAD no frequency). This premature translational stop signal has been observed in individuals with autosomal dominant polycystic kidney disease type 2 (PMID: 23376035, 31740684). ClinVar contains an entry for this variant (Variation ID: 636770). For these reasons, this variant has been classified as Pathogenic.

Women's Health and Genetics/Laboratory Corporation of America, LabCorp
Classification: Pathogenic for Polycystic kidney disease 2. Last evaluated: 2024-07-30. Review status: criteria provided, single submitter. Criteria: LabCorp Variant Classification Summary - May 2015. Collection method: clinical testing. Allele origin: germline.
Comment: Variant summary: PKD2 c.1081C>T (p.Arg361X) results in a premature termination codon, predicted to cause a truncation of the encoded protein or absence of the protein due to nonsense mediated decay, which are commonly known mechanisms for disease. The variant was absent in 251092 control chromosomes. c.1081C>T has been reported in the literature in multiple individuals affected with Polycystic Kidney Disease 2 (e.g. Cornec-Le Gall_2017). These data indicate that the variant may be associated with disease. To our knowledge, no experimental evidence demonstrating an impact on protein function has been reported. The following publication has been ascertained in the context of this evaluation (PMID: 28356211). ClinVar contains an entry for this variant (Variation ID: 636770). Based on the evidence outlined above, the variant was classified as pathogenic.

Fulgent Genetics
Classification: Pathogenic for Polycystic kidney disease 2. Last evaluated: 2024-05-28. Review status: criteria provided, single submitter. Criteria: ACMG Guidelines, 2015. Collection method: clinical testing. Allele origin: germline.

Genomic Medicine Center of Excellence, King Faisal Specialist Hospital and Research Centre
Classification: Pathogenic for Polycystic kidney disease 2. Last evaluated: 2024-03-29. Review status: criteria provided, single submitter. Criteria: ACMG Guidelines, 2015. Collection method: clinical testing. Allele origin: germline.

GeneDx
Classification: Pathogenic. Last evaluated: 2023-09-01. Review status: criteria provided, single submitter. Criteria: GeneDx Variant Classification Process June 2021. Collection method: clinical testing. Allele origin: germline. Affected: yes.
Comment: Nonsense variant predicted to result in protein truncation or nonsense mediated decay in a gene for which loss-of-function is a known mechanism of disease; Not observed at significant frequency in large population cohorts (gnomAD); This variant is associated with the following publications: (PMID: 30215095, 27782177, 30816285, 23376035, 25525159, 17100995, 22508176, 22863349, 31740684, 33168999, 33726816, 34101167, 33141305, 35478332)

Blueprint Genetics
Classification: Pathogenic for PKD2-related disorders. Last evaluated: 2023-05-22. Review status: criteria provided, single submitter. Criteria: ACMG Guidelines, 2015. Collection method: clinical testing. Allele origin: germline. Affected: yes. Observed: 2 variant alleles.